The following is an entry in ClinVar:

NM_015178.3(RHOBTB2):c.1466G>A (p.Arg489Gln)

Gene: RHOBTB2 (Rho related BTB domain containing 2; plus strand). Cytogenetic location: 8p21.3.
Variant type: single nucleotide variant.
Coding change: c.1466G>A on transcript NM_015178.3 (MANE Select); coding-DNA position 1466, G replaced by A.
Protein change: p.Arg489Gln; replaces arginine 489 with glutamine.
Molecular consequence: missense variant.
Genome position (GRCh38, 1-based): chr8:23,007,711, G>A. VCF-style: chr8-23007711-G-A. GRCh37 (hg19) VCF-style: chr8-22865224-G-A.
Other names: c.1532G>A, p.Arg511Gln (NM_001160036.2); c.1487G>A, p.Arg496Gln (NM_001160037.2); c.1466G>A, p.Arg489Gln (NM_001374791.1); short protein forms R511Q, R489Q, R496Q.
Identifiers: ClinVar variation 545418 (VCV000545418.59), dbSNP rs1554504684, ClinGen allele CA370569448.

ClinVar aggregate classification (germline): Pathogenic. Review status: criteria provided, multiple submitters, no conflicts (2 of 4 stars). 13 submissions from 13 submitters: Pathogenic (11). 2 of the submissions do not count toward it. Last evaluated 2025-12-30.

Conditions:
RHOBTB2-related disorder. Also called: RHOBTB2-related condition.
Chorea. Also called: Choreatic disease; Choreiform movements. Identifiers: Orphanet 1429, MedGen C0008489, MONDO:0001595, HP:0002072.
Dystonic disorder. Also called: Dystonia. Identifiers: MedGen C0013421, MONDO:0003441, HP:0001332.
Developmental and epileptic encephalopathy, 64. Also called: EPILEPTIC ENCEPHALOPATHY, EARLY INFANTILE, 64. Identifiers: MedGen C4693899, MONDO:0033373, OMIM 618004.
Inborn genetic diseases. Identifiers: MedGen C0950123, MeSH D030342.

Submissions (13):

Variantyx, Inc.
Classification: Pathogenic for Developmental and epileptic encephalopathy, 64. Last evaluated: 2025-12-30. Review status: criteria provided, single submitter. Criteria: Variantyx Assertion Criteria 2022. Collection method: clinical testing. Allele origin: germline. Inheritance: Autosomal recessive inheritance. Affected: yes.
Comment: This is a nonsynonymous variant in the RHOBTB2 gene (OMIM: 607352). Pathogenic variants in this gene have been associated with autosomal dominant developmental and epileptic encephalopathy 64. This variant has been reported in many unrelated affected individuals (PMID: 29276004, 29768694, 32337345, 32810689, 33504645, 39831600) (PS4_Very_Strong). Functional studies have shown that this variant alters RHOBTB2 protein function (PMID: 29768694) (PS3), but computational algorithms produce conflicting evidence regarding the predicted functional impact of this variant (REVEL score: 0.474). An alternate amino acid change at this position (p.Arg489Trp) has been previously reported in similarly affected individuals, which suggests that this residue is biologically important (PMID: 29276004, 31780880) (PM5). This variant is absent from control populations (PM2). Based on the current evidence, this variant is classified as pathogenic for autosomal dominant developmental and epileptic encephalopathy 64.

Labcorp Genetics (formerly Invitae), Labcorp
Classification: Pathogenic. Last evaluated: 2024-11-27. Review status: criteria provided, single submitter. Criteria: Invitae Variant Classification Sherloc (09022015). Collection method: clinical testing. Allele origin: germline.
Comment: This sequence change replaces arginine, which is basic and polar, with glutamine, which is neutral and polar, at codon 511 of the RHOBTB2 protein (p.Arg511Gln). This variant is not present in population databases (gnomAD no frequency). This missense change has been observed in individual(s) with early infantile epileptic encephalopathy (PMID: 29276004, 29768694). In at least one individual the variant was observed to be de novo. ClinVar contains an entry for this variant (Variation ID: 545418). Invitae Evidence Modeling of protein sequence and biophysical properties (such as structural, functional, and spatial information, amino acid conservation, physicochemical variation, residue mobility, and thermodynamic stability) indicates that this missense variant is not expected to disrupt RHOBTB2 protein function with a negative predictive value of 80%. Experimental studies have shown that this missense change affects RHOBTB2 function (PMID: 29768694). This variant disrupts the p.Arg511 amino acid residue in RHOBTB2. Other variant(s) that disrupt this residue have been determined to be pathogenic (PMID: 29276004, 31780880). This suggests that this residue is clinically significant, and that variants that disrupt this residue are likely to be disease-causing. For these reasons, this variant has been classified as Pathogenic.

CeGaT Center for Human Genetics Tuebingen
Classification: Pathogenic. Last evaluated: 2024-10-01. Review status: criteria provided, single submitter. Criteria: CeGaT Center For Human Genetics Tuebingen Variant Classification Criteria Version 2. Collection method: clinical testing. Allele origin: germline. Affected: yes. Observed: 2 variant alleles.
Comment: RHOBTB2: PS2:Very Strong, PM2, PM5, PS4:Moderate, PP3, PS3:Supporting

Institute of Human Genetics Munich, TUM University Hospital
Classification: Pathogenic for Developmental and epileptic encephalopathy, 64. Last evaluated: 2023-08-17. Review status: criteria provided, single submitter. Criteria: Classification criteria August 2017. Collection method: clinical testing. Allele origin: germline. Inheritance: Autosomal dominant inheritance. Affected: yes. Observed: 1 variant allele.

University of Washington Department of Laboratory Medicine, University of Washington
Classification: Pathogenic for Developmental and epileptic encephalopathy, 64. Last evaluated: 2022-11-09. Review status: criteria provided, single submitter. Criteria: ACMG Guidelines, 2015. Collection method: clinical testing. Allele origin: de novo. Affected: yes. Clinical features observed: Global developmental delays, Hyperkinetic movements.
Comment: The p.Arg511Gln variant has been submitted to ClinVar (Variation ID: 545418). This variant is absent from large population databases, including the Genome Aggregation Database. Well-established functional studies of this variant suggest a deleterious effect to the protein that is sufficient to be disease-causing (Belal 2018). Additionally, a different amino acid changes at this residue (p.Arg511Trp) has been previously reported de novo in two unrelated individuals with RHOBTB2-related developmental and epileptic encephalopathy (Straub 2018). Using ACMG guidelines, this variant was classified as pathogenic for autosomal dominant RHOBTB2-related developmental and epileptic encephalopathy (ACMG evidence codes used: PS2_very strong, PS3, PM5, PM2_supporting).

Ambry Genetics
Classification: Pathogenic for Inborn genetic diseases. Last evaluated: 2022-09-09. Review status: criteria provided, single submitter. Criteria: Ambry Variant Classification Scheme 2023. Collection method: clinical testing. Allele origin: germline.
Comment: The c.1532G>A (p.R511Q) alteration is located in exon 7 (coding exon 5) of the RHOBTB2 gene. This alteration results from a G to A substitution at nucleotide position 1532, causing the arginine (R) at amino acid position 511 to be replaced by a glutamine (Q). This variant was not reported in population-based cohorts in the Genome Aggregation Database (gnomAD). This variant has been determined to be the result of a de novo mutation or germline mosaicism in multiple individuals with RHOBTB2-related developmental and epileptic encephalopathy (Straub, 2017; Belal, 2018; Fern&aacute;ndez-Marmiesse, 2019; Zagaglia, 2021; Knijnenburg, 2020). This amino acid position is highly conserved in available vertebrate species. The in silico prediction for this alteration is inconclusive. Based on the available evidence, this alteration is classified as pathogenic.

GeneDx
Classification: Pathogenic. Last evaluated: 2022-08-31. Review status: criteria provided, single submitter. Criteria: GeneDx Variant Classification Process June 2021. Collection method: clinical testing. Allele origin: germline. Affected: yes.
Comment: Not observed at significant frequency in large population cohorts (gnomAD); In silico analysis supports that this missense variant does not alter protein structure/function; This variant is associated with the following publications: (PMID: 29768694, 29276004, 32337345, 32810689, 32581362)

Blueprint Genetics
Classification: Pathogenic for RHOBTB2-related disorders. Last evaluated: 2021-10-15. Review status: criteria provided, single submitter. Criteria: ACMG Guidelines, 2015. Collection method: clinical testing. Allele origin: germline. Affected: yes. Observed: 2 variant alleles.

Institute of Human Genetics, University of Leipzig Medical Center
Classification: Pathogenic for Developmental and epileptic encephalopathy, 64. Last evaluated: 2021-08-19. Review status: criteria provided, single submitter. Criteria: ACMG Guidelines, 2015. Collection method: clinical testing. Allele origin: de novo. Affected: yes.
Comment: This variant was identified as de novo (maternity and paternity confirmed).

Pediatrics, MediClubGeorgia
Classification: Pathogenic for Developmental and epileptic encephalopathy, 64. Last evaluated: 2021-01-01. Review status: criteria provided, single submitter. Criteria: ACMG Guidelines, 2015. Collection method: clinical testing. Allele origin: unknown. Inheritance: Autosomal dominant inheritance. Affected: yes. Observed: 1 variant allele, 1 heterozygote.
Comment: The RHOBTB2 variant c.1532G>A p.(Arg511Gln) causes an amino acid change from Arg to Gln at position 511. This variant has been previously reported as disease-causing for Rett-like syndrome, this variant de novo in different patients. The variant is absent in population databases. SIFT - deleterious, PolyPhen - Probably Damaging, FATHMM pred - Tolerated, MutationAssessor - Medium, MutationTaster - diseases causing, Provean - Neutral. On Clinvar this variant is submitted by 4 submitter: as 3 Pathogenic, 1 Likely Pathogenic.

SIB Swiss Institute of Bioinformatics
Classification: Pathogenic for Developmental and epileptic encephalopathy, 64. Last evaluated: 2018-10-15. Review status: criteria provided, single submitter. Criteria: ACMG Guidelines, 2015. Collection method: curation. Allele origin: de novo.
Comment: This variant is interpreted as Pathogenic, for Epileptic encephalopathy, early infantile, 64, autosomal dominant. The following ACMG Tag(s) were applied: PP3 => Multiple lines of computational evidence support a deleterious effect on the gene or gene product. PM2 => Absent from controls (or at extremely low frequency if recessive) in Exome Sequencing Project, 1000 Genomes Project, or Exome Aggregation Consortium. PS4-Supporting => PS4 downgraded in strength to Supporting (PubMed 29768694) (PubMed 29276004). PS2 => De novo (paternity and maternity confirmed) (PubMed 29276004) (PubMed 29768694). PS3-Moderate => PS3 downgraded in strength to Moderate (PubMed 29276004).

OMIM
Classification: Pathogenic for DEVELOPMENTAL AND EPILEPTIC ENCEPHALOPATHY 64. Last evaluated: 2020-11-17. Review status: no assertion criteria provided. Collection method: literature only. Allele origin: germline. Not counted in ClinVar's aggregate classification.

NIHR Bioresource Rare Diseases, University of Cambridge
Classification: Pathogenic for Dystonic disorder; Chorea. Review status: no assertion criteria provided. Collection method: research. Allele origin: unknown. Affected: yes. Observed: 1 variant allele. Not counted in ClinVar's aggregate classification.

Literature cited by the submitters: PubMed 29276004 (cited by 6 submitters); PubMed 31780880 (cited by 3 submitters); PubMed 29768694 (cited by 5 submitters); PubMed 32337345 (cited by Variantyx, Inc. and Ambry Genetics); PubMed 32810689 (cited by Variantyx, Inc.); PubMed 33504645 (cited by Variantyx, Inc. and Ambry Genetics); PubMed 39831600 (cited by Variantyx, Inc.); PubMed 18835386 (cited by Ambry Genetics and Pediatrics, MediClubGeorgia); PubMed 32581362 (cited by 3 submitters).